The following is an entry in ClinVar:

ClinVar aggregate classification (germline): Uncertain significance (1 of 4 stars; one submission).

Submission:

GeneDx
Classification: Uncertain significance. Last evaluated: 2025-07-29. Review status: criteria provided, single submitter. Criteria: GeneDx Variant Classification Process June 2021. Collection method: clinical testing. Allele origin: germline. Affected: yes.
Comment: Not observed at significant frequency in large population cohorts (gnomAD); In silico analysis supports that this missense variant has a deleterious effect on protein structure/function; Has not been previously published as pathogenic or benign to our knowledge

NM_024422.6(DSC2):c.1022G>A (p.Cys341Tyr)

Gene: DSC2 (desmocollin 2; minus strand). Cytogenetic location: 18q12.1.
Variant type: single nucleotide variant.
Coding change: c.1022G>A on transcript NM_024422.6 (MANE Select); coding-DNA position 1022, G replaced by A.
Protein change: p.Cys341Tyr; replaces cysteine 341 with tyrosine.
Molecular consequence: missense variant.
Genome position (GRCh38, 1-based): chr18:31,082,981, C>T on the plus strand (G>A on the coding strand, the complement: DSC2 is on the minus strand). VCF-style: chr18-31082981-C-T. GRCh37 (hg19) VCF-style: chr18-28662947-C-T.
Other names: c.593G>A, p.Cys198Tyr (NM_001406506.1, NM_001406507.1); c.1022G>A, p.Cys341Tyr (NM_004949.5); short protein forms C198Y, C341Y.
Identifiers: ClinVar variation 4690014 (VCV004690014.1).